The following is an entry in ClinVar:

ClinVar aggregate classification (germline): Uncertain significance (1 of 4 stars; one submission).

Submission:

Labcorp Genetics (formerly Invitae), Labcorp
Classification: Uncertain significance. Last evaluated: 2024-12-24. Review status: criteria provided, single submitter. Criteria: Invitae Variant Classification Sherloc (09022015). Collection method: clinical testing. Allele origin: germline.
Comment: This sequence change replaces glutamic acid, which is acidic and polar, with glycine, which is neutral and non-polar, at codon 81 of the SAMD9L protein (p.Glu81Gly). This variant is not present in population databases (gnomAD no frequency). This variant has not been reported in the literature in individuals affected with SAMD9L-related conditions. An algorithm developed to predict the effect of missense changes on protein structure and function outputs the following: PolyPhen-2: "Benign". The glycine amino acid residue is found in multiple mammalian species, which suggests that this missense change does not adversely affect protein function. In summary, the available evidence is currently insufficient to determine the role of this variant in disease. Therefore, it has been classified as a Variant of Uncertain Significance.

NM_152703.5(SAMD9L):c.242A>G (p.Glu81Gly)

Gene: SAMD9L (sterile alpha motif domain containing 9 like; minus strand). Cytogenetic location: 7q21.2.
Variant type: single nucleotide variant.
Coding change: c.242A>G on transcript NM_152703.5 (MANE Select); coding-DNA position 242, A replaced by G.
Protein change: p.Glu81Gly; replaces glutamic acid 81 with glycine.
Molecular consequence: missense variant.
Genome position (GRCh38, 1-based): chr7:93,135,730, T>C on the plus strand (A>G on the coding strand, the complement: SAMD9L is on the minus strand). VCF-style: chr7-93135730-T-C. GRCh37 (hg19) VCF-style: chr7-92765043-T-C.
Other names: c.242A>G, p.Glu81Gly (NM_001303497.3, NM_001303498.3, NM_001303500.3 and 5 more transcripts); short protein forms E81G.
Identifiers: ClinVar variation 3663824 (VCV003663824.2).
Genomic context (GRCh38, chr7:93,135,730, plus strand): 5'-TGGTGTTCTGTTTTGGACGGTTTTGAATTATCTAATTGTCCCGGATCATGATTGTCACTT[T>C]CAGGGGACTTACTATTCAATTTGTTGTATGAACGTTTTATCAAAAGTGCTGGACCCCATG-3'
Protein context (NP_689916.2, residues 71-91): SYNKLNSKSP[Glu81Gly]SDNHDPGQLD